The following is an entry in ClinVar:

ClinVar aggregate classification (germline): Uncertain significance (1 of 4 stars; one submission).

Conditions:
RASA1-related disorder. Also called: RASA1-related condition.

Submission:

PreventionGenetics, part of Exact Sciences
Classification: Uncertain significance for RASA1-related condition. Last evaluated: 2025-09-08. Review status: criteria provided, single submitter. Criteria: ACMG Guidelines, 2015. Collection method: clinical testing. Allele origin: germline.
Comment: The RASA1 c.2438C>G variant is predicted to result in the amino acid substitution p.Ala813Gly. To our knowledge, this variant has not been reported in the literature or in a large population database (gnomAD), indicating this variant is rare. At this time, the clinical significance of this variant is uncertain due to the absence of conclusive functional and genetic evidence.

NM_002890.3(RASA1):c.2438C>G (p.Ala813Gly)

Genes: CCNH (cyclin H; minus strand), RASA1 (RAS p21 protein activator 1; plus strand). Cytogenetic location: 5q14.3.
Variant type: single nucleotide variant.
Coding change: c.2438C>G on transcript NM_002890.3 (MANE Select); coding-DNA position 2438, C replaced by G.
Protein change: p.Ala813Gly; replaces alanine 813 with glycine.
Molecular consequence: missense variant. On other transcripts: intron variant (1).
Genome position (GRCh38, 1-based): chr5:87,378,489, C>G. VCF-style: chr5-87378489-C-G. GRCh37 (hg19) VCF-style: chr5-86674306-C-G.
Other names: c.1907C>G, p.Ala636Gly (NM_022650.3); c.933+16555G>C (NM_001364075.2); short protein forms A636G, A813G.
Identifiers: ClinVar variation 4995440 (VCV004995440.1).